The following is an entry in ClinVar:

NM_213607.3(DNAAF19):c.72G>A (p.Glu24=)

Gene: DNAAF19 (dynein axonemal assembly factor 19; plus strand). Cytogenetic location: 17q21.31.
Variant type: single nucleotide variant.
Coding change: c.72G>A on transcript NM_213607.3 (MANE Select); coding-DNA position 72, G replaced by A.
Protein change: p.Glu24=; no amino-acid change (glutamic acid 24 retained).
Molecular consequence: synonymous variant.
Genome position (GRCh38, 1-based): chr17:44,901,070, G>A. VCF-style: chr17-44901070-G-A. GRCh37 (hg19) VCF-style: chr17-42978438-G-A.
Other names: c.72G>A, p.Glu24= (NM_001258395.2, NM_001258396.2, NM_001258397.3 and 2 more transcripts); c.72G>A (NM_213607.1).
Identifiers: ClinVar variation 888961 (VCV000888961.34), dbSNP rs752532336, ClinGen allele CA8608262.

ClinVar aggregate classification (germline): Conflicting classifications of pathogenicity. Review status: criteria provided, conflicting classifications (1 of 4 stars). 4 submissions from 4 submitters: Uncertain significance (1); Likely benign (3). Last evaluated 2024-02-25.

Conditions:
Primary ciliary dyskinesia. Also called: Ciliary dyskinesia. Identifiers: Orphanet 244, MedGen C0008780, MONDO:0016575, HP:0012265.
Primary ciliary dyskinesia 17. Also called: CILIARY DYSKINESIA, PRIMARY, 17, WITH OR WITHOUT SITUS INVERSUS. Identifiers: Orphanet 244, MedGen C3542550, MONDO:0013854, OMIM 614679.

Allele frequency attached by ClinVar (database versions not stated): ExAC 0.00001; gnomAD 0.00001; gnomAD exomes 0.00001; TOPMed 0.00001.
gnomAD v4.1: 49 of 1,603,338 alleles (0.0031%); highest among the groups gnomAD compares: Non-Finnish European, 0.0038%; no homozygotes.

Submissions (4):

Labcorp Genetics (formerly Invitae), Labcorp
Classification: Likely benign for Primary ciliary dyskinesia. Last evaluated: 2024-02-25. Review status: criteria provided, single submitter. Criteria: Invitae Variant Classification Sherloc (09022015). Collection method: clinical testing. Allele origin: germline.

Ambry Genetics
Classification: Likely benign for Primary ciliary dyskinesia. Last evaluated: 2023-05-21. Review status: criteria provided, single submitter. Criteria: Ambry Variant Classification Scheme 2023. Collection method: clinical testing. Allele origin: germline.

CeGaT Center for Human Genetics Tuebingen
Classification: Likely benign. Last evaluated: 2022-03-01. Review status: criteria provided, single submitter. Criteria: CeGaT Center For Human Genetics Tuebingen Variant Classification Criteria Version 2. Collection method: clinical testing. Allele origin: germline. Affected: yes. Observed: 1 variant allele.
Comment: DNAAF19: BP4, BP7

Illumina Laboratory Services, Illumina
Classification: Uncertain significance for Primary ciliary dyskinesia 17. Last evaluated: 2018-01-12. Review status: criteria provided, single submitter. Criteria: ICSL Variant Classification Criteria 13 December 2019. Collection method: clinical testing. Allele origin: germline.